The following is an entry in ClinVar:

NM_000051.4(ATM):c.5428A>G (p.Thr1810Ala)

Gene: ATM (ATM serine/threonine kinase; plus strand). Cytogenetic location: 11q22.3.
Variant type: single nucleotide variant.
Coding change: c.5428A>G on transcript NM_000051.4 (MANE Select); coding-DNA position 5428, A replaced by G.
Protein change: p.Thr1810Ala; replaces threonine 1810 with alanine.
Molecular consequence: missense variant.
Genome position (GRCh38, 1-based): chr11:108,302,961, A>G. VCF-style: chr11-108302961-A-G. GRCh37 (hg19) VCF-style: chr11-108173688-A-G.
Other names: c.5428A>G, p.Thr1810Ala (NM_001351834.2); short protein forms T1810A.
Identifiers: ClinVar variation 232407 (VCV000232407.15), dbSNP rs876659748, ClinGen allele CA10579180.

ClinVar aggregate classification (germline): Uncertain significance. Review status: criteria provided, multiple submitters, no conflicts (2 of 4 stars). 2 submissions from 2 submitters: Uncertain significance (2). Last evaluated 2025-04-19.

Conditions:
Hereditary cancer-predisposing syndrome. Also called: Hereditary Cancer Syndrome; Neoplastic Syndromes, Hereditary; Tumor predisposition; Hereditary neoplastic syndrome. Identifiers: Orphanet 140162, MedGen C0027672, MeSH D009386, MONDO:0015356.
Ataxia-telangiectasia syndrome (AT). Also called: Ataxia telangiectasia (A-T); Ataxia-telangiectasia, complementation group E; LOUIS-BAR SYNDROME; Cerebello-oculocutaneous telangiectasia; Immunodeficiency with ataxia telangiectasia; Ataxia-telangiectasia, complementation group D. Identifiers: Orphanet 100, MedGen C0004135, MONDO:0008840, OMIM 208900.

Submissions (2):

Ambry Genetics
Classification: Uncertain significance for Hereditary cancer-predisposing syndrome. Last evaluated: 2025-04-19. Review status: criteria provided, single submitter. Criteria: Ambry Variant Classification Scheme 2023. Collection method: clinical testing. Allele origin: germline.
Comment: The p.T1810A variant (also known as c.5428A>G), located in coding exon 35 of the ATM gene, results from an A to G substitution at nucleotide position 5428. The threonine at codon 1810 is replaced by alanine, an amino acid with similar properties. This amino acid position is highly conserved in available vertebrate species. In addition, the in silico prediction for this alteration is inconclusive. Since supporting evidence is limited at this time, the clinical significance of this alteration remains unclear.

Labcorp Genetics (formerly Invitae), Labcorp
Classification: Uncertain significance for Ataxia-telangiectasia syndrome. Last evaluated: 2023-04-28. Review status: criteria provided, single submitter. Criteria: Invitae Variant Classification Sherloc (09022015). Collection method: clinical testing. Allele origin: germline.
Comment: This variant is not present in population databases (gnomAD no frequency). In summary, the available evidence is currently insufficient to determine the role of this variant in disease. Therefore, it has been classified as a Variant of Uncertain Significance. An algorithm developed to predict the effect of missense changes on protein structure and function (PolyPhen-2) suggests that this variant is likely to be tolerated. ClinVar contains an entry for this variant (Variation ID: 232407). This variant has not been reported in the literature in individuals affected with ATM-related conditions. This sequence change replaces threonine, which is neutral and polar, with alanine, which is neutral and non-polar, at codon 1810 of the ATM protein (p.Thr1810Ala).